The following is an entry in ClinVar:

ClinVar aggregate classification (germline): Pathogenic (1 of 4 stars; one submission).

Conditions:
Primary pulmonary hypertension. Also called: Idiopathic pulmonary hypertension. Identifiers: MedGen C0152171.

Submission:

Labcorp Genetics (formerly Invitae), Labcorp
Classification: Pathogenic for Primary pulmonary hypertension. Last evaluated: 2017-01-26. Review status: criteria provided, single submitter. Criteria: Invitae Variant Classification Sherloc (09022015). Collection method: clinical testing. Allele origin: germline.
Comment: This sequence change deletes 1 nucleotide from exon 9 of the BMPR2 mRNA (c.1148delT), causing a frameshift at codon 383. This creates a premature translational stop signal (p.Met383Argfs*6) and is expected to result in an absent or disrupted protein product. For these reasons, this variant has been classified as Pathogenic. While this particular variant has not been reported in the literature, loss-of-function variants in BMPR2 are known to be pathogenic (PMID: 16429395).

Literature cited by the submitters: PubMed 16429395.

NM_001204.7(BMPR2):c.1148del (p.Met383fs)

Gene: BMPR2 (bone morphogenetic protein receptor type 2; plus strand). Cytogenetic location: 2q33.2.
Variant type: Deletion.
Coding change: c.1148del on transcript NM_001204.7 (MANE Select); coding-DNA position 1148, one base deleted (T; older notation c.1148delT).
Protein change: p.Met383fs; shifts the reading frame from methionine 383.
Molecular consequence: frameshift variant.
Genome position (GRCh38, 1-based): chr2:202,532,604, T deleted. VCF-style (leftmost placement, unchanged base first): chr2-202532603-AT-A. GRCh37 (hg19) VCF-style: chr2-203397326-AT-A.
Other names: c.1148del (LRG_712t1); short protein forms M383fs.
Identifiers: ClinVar variation 458623 (VCV000458623.8), dbSNP rs1553509984, ClinGen allele CA658655725.
Genomic context (GRCh38, chr2:202,532,603, plus strand): 5'-TGCTACGTTCTCTCTCTAAAAAATATCACTCTAATTTATCAGGTTGGCACTATCAGATAT[AT>A]GGCACCAGAAGTGCTAGAAGGAGCTGTGAACTTGAGGGACTGTGAATCAGCTTTGAAACA-3'